The following is an entry in ClinVar:

ClinVar aggregate classification (germline): Uncertain significance (1 of 4 stars; one submission).

Submission:

GeneDx
Classification: Uncertain significance. Last evaluated: 2020-04-09. Review status: criteria provided, single submitter. Criteria: GeneDx Variant Classification Process June 2021. Collection method: clinical testing. Allele origin: germline. Affected: yes.
Comment: Not observed in large population cohorts (Lek et al., 2016); In silico analysis supports that this missense variant has a deleterious effect on protein structure/function; Has not been previously published as pathogenic or benign to our knowledge

NM_015570.4(AUTS2):c.3328T>C (p.Tyr1110His)

Gene: AUTS2 (activator of transcription and developmental regulator AUTS2; plus strand). Cytogenetic location: 7q11.22.
Variant type: single nucleotide variant.
Coding change: c.3328T>C on transcript NM_015570.4 (MANE Select); coding-DNA position 3328, T replaced by C.
Protein change: p.Tyr1110His; replaces tyrosine 1110 with histidine.
Molecular consequence: missense variant.
Genome position (GRCh38, 1-based): chr7:70,790,544, T>C. VCF-style: chr7-70790544-T-C. GRCh37 (hg19) VCF-style: chr7-70255530-T-C.
Other names: c.3256T>C, p.Tyr1086His (NM_001127231.3); short protein forms Y1086H, Y1110H.
Identifiers: ClinVar variation 1304274 (VCV001304274.2), dbSNP rs2129561677, ClinGen allele CA367665957.